The following is an entry in ClinVar:

NM_001127671.2(LIFR):c.3015G>A (p.Met1005Ile)

Gene: LIFR (LIF receptor subunit alpha; minus strand). Cytogenetic location: 5p13.1.
Variant type: single nucleotide variant.
Coding change: c.3015G>A on transcript NM_001127671.2 (MANE Select); coding-DNA position 3015, G replaced by A.
Protein change: p.Met1005Ile; replaces methionine 1005 with isoleucine.
Molecular consequence: missense variant.
Genome position (GRCh38, 1-based): chr5:38,481,874, C>T on the plus strand (G>A on the coding strand, the complement: LIFR is on the minus strand). VCF-style: chr5-38481874-C-T. GRCh37 (hg19) VCF-style: chr5-38481976-C-T.
Other names: c.3015G>A, p.Met1005Ile (NM_001364297.2, NM_002310.6); c.2982G>A, p.Met994Ile (NM_001364298.2); short protein forms M1005I, M994I.
Identifiers: ClinVar variation 1385099 (VCV001385099.3), dbSNP rs898747115, ClinGen allele CA117134176.
Genomic context (GRCh38, chr5:38,481,874, plus strand): 5'-AGTTTTATCTAAGTCCTCTTCTGCAGCTATATCTTCCACAGTAGAATTAATGGGGAGGTG[C>T]ATCTGTGGCTTATAGCCTGCCCCTCCTACAGGGTCATTTTCTTGTTCTTCTTCTGGTTTT-3'
Protein context (NP_001121143.1, residues 995-1015): PVGGAGYKPQ[Met1005Ile]HLPINSTVED

ClinVar aggregate classification (germline): Uncertain significance (1 of 4 stars; one submission).

Allele frequency attached by ClinVar (database versions not stated): gnomAD exomes below 0.00001; gnomAD 0.00001.

Submission:

Labcorp Genetics (formerly Invitae), Labcorp
Classification: Uncertain significance. Last evaluated: 2021-10-29. Review status: criteria provided, single submitter. Criteria: Invitae Variant Classification Sherloc (09022015). Collection method: clinical testing. Allele origin: germline.
Comment: This sequence change replaces methionine, which is neutral and non-polar, with isoleucine, which is neutral and non-polar, at codon 1005 of the LIFR protein (p.Met1005Ile). The frequency data for this variant in the population databases is considered unreliable, as metrics indicate poor data quality at this position in the gnomAD database. This variant has not been reported in the literature in individuals affected with LIFR-related conditions. Algorithms developed to predict the effect of missense changes on protein structure and function are either unavailable or do not agree on the potential impact of this missense change (SIFT: "Tolerated"; PolyPhen-2: "Possibly Damaging"; Align-GVGD: "Class C0"). In summary, the available evidence is currently insufficient to determine the role of this variant in disease. Therefore, it has been classified as a Variant of Uncertain Significance.